The following is an entry in ClinVar:

NM_000016.6(ACADM):c.973dup (p.Glu325fs)

Gene: ACADM (acyl-CoA dehydrogenase medium chain; plus strand). Cytogenetic location: 1p31.1.
Variant type: Duplication.
Coding change: c.973dup on transcript NM_000016.6 (MANE Select); coding-DNA position 973, one base duplicated (G; older notation c.973dupG).
Protein change: p.Glu325fs; shifts the reading frame from glutamic acid 325.
Molecular consequence: frameshift variant.
Genome position (GRCh38, 1-based): chr1:75,761,149, G duplicated. VCF-style (leftmost placement, unchanged base first): chr1-75761148-T-TG. GRCh37 (hg19) VCF-style: chr1-76226833-T-TG.
Other names: c.985dup, p.Glu329fs (NM_001127328.3); c.865dup, p.Glu289fs (NM_001286042.2); c.1072dup, p.Glu358fs (NM_001286043.2); c.406dup, p.Glu136fs (NM_001286044.2); short protein forms E289fs, E325fs, E136fs, E329fs, E358fs.
Identifiers: ClinVar variation 834525 (VCV000834525.8), dbSNP rs1648824675, ClinGen allele CA916082040.
Genomic context (GRCh38, chr1:75,761,148, plus strand): 5'-AAATATCCTTTAATTTTTTTCTTTTTAATTCTAGCACCAAGCAATATCATTTATGCTGGC[T>TG]GAAATGGCAATGAAAGTTGAACTAGCTAGAATGAGTTACCAGAGAGCAGCTTGGGAGGTT-3'

ClinVar aggregate classification (germline): Pathogenic (1 of 4 stars; one submission).

Conditions:
Medium-chain acyl-coenzyme A dehydrogenase deficiency (ACADMD). Also called: MCADH DEFICIENCY; ACADM DEFICIENCY; MCADD; MCAD Deficiency; CARNITINE DEFICIENCY SECONDARY TO MEDIUM-CHAIN ACYL-CoA DEHYDROGENASE DEFICIENCY; Medium chain acyl-CoA dehydrogenase deficiency. Identifiers: Orphanet 42, MedGen C0220710, MONDO:0008721, OMIM 201450.

Submission:

Labcorp Genetics (formerly Invitae), Labcorp
Classification: Pathogenic for Medium-chain acyl-coenzyme A dehydrogenase deficiency. Last evaluated: 2020-12-05. Review status: criteria provided, single submitter. Criteria: Invitae Variant Classification Sherloc (09022015). Collection method: clinical testing. Allele origin: germline.
Comment: For these reasons, this variant has been classified as Pathogenic. This variant has not been reported in the literature in individuals with ACADM-related conditions. ClinVar contains an entry for this variant (Variation ID: 834525). This variant is not present in population databases (ExAC no frequency). This sequence change creates a premature translational stop signal (p.Glu325Glyfs*7) in the ACADM gene. It is expected to result in an absent or disrupted protein product. Loss-of-function variants in ACADM are known to be pathogenic (PMID: 16121256, 20434380).

Literature cited by the submitters: PubMed 16121256; PubMed 20434380.